The following is an entry in ClinVar:

NM_000071.3(CBS):c.829-14C>T

Gene: CBS (cystathionine beta-synthase; minus strand). Cytogenetic location: 21q22.3.
Variant type: single nucleotide variant.
Coding change: c.829-14C>T on transcript NM_000071.3 (MANE Select); 14 bases into the intron before coding-DNA position 829, C replaced by T.
Molecular consequence: intron variant.
Genome position (GRCh38, 1-based): chr21:43,063,092, G>A on the plus strand (C>T on the coding strand, the complement: CBS is on the minus strand). VCF-style: chr21-43063092-G-A. GRCh37 (hg19) VCF-style: chr21-44483202-G-A.
Other names: c.829-14C>T (NM_001320298.2, NM_001178009.3, NM_001178008.3); c.514-14C>T (NM_001321072.1).
Identifiers: ClinVar variation 136669 (VCV000136669.10), dbSNP rs370697155, ClinGen allele CA289975.

ClinVar aggregate classification (germline): Benign/Likely benign. Review status: criteria provided, multiple submitters, no conflicts (2 of 4 stars). 5 submissions from 5 submitters: Benign (1); Likely benign (4). Last evaluated 2026-01-22.

Conditions:
HYPERHOMOCYSTEINEMIA, THROMBOTIC, CBS-RELATED. Identifiers: MedGen C3150344, OMIM 236200.

Allele frequency attached by ClinVar (database versions not stated): ESP Exome Variant Server 0.00008; ExAC 0.00029; gnomAD 0.00051.

Submissions (5):

Labcorp Genetics (formerly Invitae), Labcorp
Classification: Likely benign for HYPERHOMOCYSTEINEMIA, THROMBOTIC, CBS-RELATED. Last evaluated: 2026-01-22. Review status: criteria provided, single submitter. Criteria: Invitae Variant Classification Sherloc (09022015). Collection method: clinical testing. Allele origin: germline.

Women's Health and Genetics/Laboratory Corporation of America, LabCorp
Classification: Likely benign. Last evaluated: 2025-05-16. Review status: criteria provided, single submitter. Criteria: LabCorp Variant Classification Summary - May 2015. Collection method: clinical testing. Allele origin: germline.

Blueprint Genetics
Classification: Likely benign. Last evaluated: 2024-08-02. Review status: criteria provided, single submitter. Criteria: ACMG Guidelines, 2015. Collection method: clinical testing. Allele origin: germline.

ARUP Laboratories, Molecular Genetics and Genomics, ARUP Laboratories
Classification: Likely benign. Last evaluated: 2023-03-29. Review status: criteria provided, single submitter. Criteria: ARUP Molecular Germline Variant Investigation Process 2024. Collection method: clinical testing. Allele origin: germline.

GeneDx
Classification: Benign. Last evaluated: 2014-01-02. Review status: criteria provided, single submitter. Criteria: GeneDx Variant Classification (06012015). Collection method: clinical testing. Allele origin: germline. Affected: yes.
Comment: This variant is considered likely benign or benign based on one or more of the following criteria: it is a conservative change, it occurs at a poorly conserved position in the protein, it is predicted to be benign by multiple in silico algorithms, and/or has population frequency not consistent with disease.